The following is an entry in ClinVar:

NM_058216.3(RAD51C):c.72_73insAT (p.Val25fs)

Gene: RAD51C (RAD51 paralog C; plus strand). Cytogenetic location: 17q22.
Variant type: Insertion.
Coding change: c.72_73insAT on transcript NM_058216.3 (MANE Select); coding-DNA positions 72 to 73, AT inserted.
Protein change: p.Val25fs; shifts the reading frame from valine 25.
Molecular consequence: frameshift variant. On other transcripts: non-coding transcript variant (1).
Genome position: GRCh38 VCF-style: chr17-58692715-G-GAT. GRCh37 (hg19) VCF-style: chr17-56770076-G-GAT.
Other names: c.72_73insAT, p.Val25fs (NM_002876.4); short protein forms V25fs.
Identifiers: ClinVar variation 1451252 (VCV001451252.8), dbSNP rs775482687, ClinGen allele CA8677138.

ClinVar aggregate classification (germline): Pathogenic (1 of 4 stars; one submission).

Conditions:
Fanconi anemia complementation group O. Also called: RAD51C-Related Fanconi Anemia. Identifiers: Orphanet 84, MedGen C3150653, MONDO:0013248, OMIM 613390.

Allele frequency attached by ClinVar (database versions not stated): gnomAD exomes below 0.00001; ExAC 0.00001.

Submission:

Labcorp Genetics (formerly Invitae), Labcorp
Classification: Pathogenic for Fanconi anemia complementation group O. Last evaluated: 2025-10-01. Review status: criteria provided, single submitter. Criteria: Invitae Variant Classification Sherloc (09022015). Collection method: clinical testing. Allele origin: germline.
Comment: This sequence change creates a premature translational stop signal (p.Val25Metfs*2) in the RAD51C gene. It is expected to result in an absent or disrupted protein product. Loss-of-function variants in RAD51C are known to be pathogenic (PMID: 20400964, 21990120, 24800917, 29278735). This variant is present in population databases (rs775482687, gnomAD no frequency). This premature translational stop signal has been observed in individual(s) with ovarian cancer (PMID: 21990120). ClinVar contains an entry for this variant (Variation ID: 1451252). For these reasons, this variant has been classified as Pathogenic.

Literature cited by the submitters: PubMed 20400964; PubMed 21990120; PubMed 24800917; PubMed 29278735.